The following is an entry in ClinVar:

NM_000421.5(KRT10):c.1428AAGCTCCGGCGGCGG[3] (p.477SSGGG[3])

Gene: KRT10 (keratin 10; minus strand). Cytogenetic location: 17q21.2.
Variant type: Microsatellite.
Coding change: c.1428AAGCTCCGGCGGCGG[3] on transcript NM_000421.5 (MANE Select); three copies in a row of the 15-base unit AAGCTCCGGCGGCGG starting at c.1428; the reference has two copies in a row; one copy, 15 bases duplicated.
Protein change: p.477SSGGG[3].
Molecular consequence: inframe insertion.
Genome position (GRCh38, 1-based): chr17:40,819,078-40,819,092, CCGCCGCCGGAGCTT duplicated on the plus strand (AAGCTCCGGCGGCGG on the coding strand, the reverse complement: KRT10 is on the minus strand); duplicating any 15 consecutive bases within chr17:40,819,078-40,819,116 gives the same sequence; the position shown is the placement nearest the transcript's 3' end. VCF-style (leftmost placement, unchanged base first): chr17-40819077-G-GCCGCCGCCGGAGCTT. GRCh37 (hg19) VCF-style: chr17-38975329-G-GCCGCCGCCGGAGCTT.
Other names: c.1428AAGCTCCGGCGGCGG[3], p.477SSGGG[3] (NM_001379366.1).
Identifiers: ClinVar variation 509055 (VCV000509055.6), dbSNP rs753095095, ClinGen allele CA8548030.

ClinVar aggregate classification (germline): Conflicting classifications of pathogenicity. Review status: criteria provided, conflicting classifications (1 of 4 stars). 2 submissions from 2 submitters: Uncertain significance (1); Likely benign (1). Last evaluated 2022-04-08.

Submissions (2):

Labcorp Genetics (formerly Invitae), Labcorp
Classification: Uncertain significance. Last evaluated: 2022-04-08. Review status: criteria provided, single submitter. Criteria: Invitae Variant Classification Sherloc (09022015). Collection method: clinical testing. Allele origin: germline.
Comment: This variant, c.1443_1457dup, results in the insertion of 5 amino acid(s) of the KRT10 protein (p.Ser482_Gly486dup), but otherwise preserves the integrity of the reading frame. The frequency data for this variant in the population databases is considered unreliable, as metrics indicate poor data quality at this position in the gnomAD database. This variant has not been reported in the literature in individuals affected with KRT10-related conditions. ClinVar contains an entry for this variant (Variation ID: 509055). Experimental studies and prediction algorithms are not available or were not evaluated, and the functional significance of this variant is currently unknown. In summary, the available evidence is currently insufficient to determine the role of this variant in disease. Therefore, it has been classified as a Variant of Uncertain Significance.

GeneDx
Classification: Likely benign. Last evaluated: 2018-08-02. Review status: criteria provided, single submitter. Criteria: GeneDx Variant Classification Process June 2021. Collection method: clinical testing. Allele origin: germline. Affected: yes.